The following is an entry in ClinVar:

ClinVar aggregate classification (germline): Likely benign (1 of 4 stars; one submission).

Allele frequency attached by ClinVar (database versions not stated): 1000 Genomes Project 0.00100; 1000 Genomes Project 30x 0.00109; ESP Exome Variant Server 0.00255; gnomAD 0.00262; TOPMed 0.00272; ExAC 0.00293; gnomAD exomes 0.00328.
gnomAD v4.1: 4,919 of 1,529,280 alleles (0.32%); highest among the groups gnomAD compares: Non-Finnish European, 0.39%; 13 homozygotes.

Submissions (5):

CeGaT Center for Human Genetics Tuebingen
Classification: Likely benign. Last evaluated: 2022-07-01. Review status: criteria provided, single submitter. Criteria: CeGaT Center For Human Genetics Tuebingen Variant Classification Criteria Version 2. Collection method: clinical testing. Allele origin: germline. Affected: yes. Observed: 1 variant allele.
Comment: PRP4K: PP2, BP4, BS2

Dr. Peter K. Rogan Lab, Western University
No classification provided (evidence only). Condition: Clear cell carcinoma of kidney. Review status: no classification provided. Collection method: in vitro. Allele origin: not applicable. Functional consequence: retained intron. Not counted in ClinVar's aggregate classification.

Dr. Peter K. Rogan Lab, Western University
No classification provided (evidence only). Condition: Cervical cancer. Review status: no classification provided. Collection method: in vitro. Allele origin: not applicable. Functional consequence: retained intron. Not counted in ClinVar's aggregate classification.

Dr. Peter K. Rogan Lab, Western University
No classification provided (evidence only). Condition: Ovarian serous cystadenocarcinoma. Review status: no classification provided. Collection method: in vitro. Allele origin: not applicable. Functional consequence: retained intron. Not counted in ClinVar's aggregate classification.

Dr. Peter K. Rogan Lab, Western University
No classification provided (evidence only). Condition: Gastric cancer. Review status: no classification provided. Collection method: in vitro. Allele origin: not applicable. Functional consequence: retained intron. Not counted in ClinVar's aggregate classification.

NM_003913.5(PRP4K):c.2175-4T>G

Gene: PRP4K (pre-mRNA processing factor kinase PRP4K; plus strand). Cytogenetic location: 6p25.2.
Variant type: single nucleotide variant.
Coding change: c.2175-4T>G on transcript NM_003913.5 (MANE Select); 4 bases into the intron before coding-DNA position 2175, T replaced by G.
Molecular consequence: intron variant.
Genome position (GRCh38, 1-based): chr6:4,051,953, T>G. VCF-style: chr6-4051953-T-G. GRCh37 (hg19) VCF-style: chr6-4052187-T-G.
Other names: NC_000006.11:g.4052187T>G.
Identifiers: ClinVar variation 2656190 (VCV002656190.25), dbSNP rs148856086, ClinGen allele CA3621137.
Genomic context (GRCh38, chr6:4,051,953, plus strand): 5'-ATTATTTAGTGCTCCTAAATTCTGTATATATTCAATTTTACCCCAATTTTTTTTTTTATT[T>G]TAGGCAAAAGACTGGTTTAAAAGAATTAGAGTTCTTGAAAAAACTTAATGATGCTGATCC-3'